The following is an entry in ClinVar:

NM_001330.5(CTF1):c.317del (p.Arg106fs)

Genes: CTF1 (cardiotrophin 1; plus strand), LOC130058878 (ATAC-STARR-seq lymphoblastoid silent region 7400; plus strand). Cytogenetic location: 16p11.2.
Variant type: Deletion.
Coding change: c.317del on transcript NM_001330.5 (MANE Select); coding-DNA position 317, one base deleted (G; older notation c.317delG).
Protein change: p.Arg106fs; shifts the reading frame from arginine 106.
Molecular consequence: frameshift variant. On other transcripts: non-coding transcript variant (1).
Genome position (GRCh38, 1-based): chr16:30,902,250, G deleted. VCF-style (leftmost placement, unchanged base first): chr16-30902249-CG-C. GRCh37 (hg19) VCF-style: chr16-30913570-CG-C.
Other names: c.314del, p.Arg105fs (NM_001142544.3); short protein forms R105fs, R106fs.
Identifiers: ClinVar variation 2862171 (VCV002862171.3), dbSNP rs2543740551, ClinGen allele CA2739266717.
Genomic context (GRCh38, chr16:30,902,249, plus strand): 5'-CGGCTGCGGCTGGACGCGGCGGCGCTGGCCGCGCTGCCCCCGCTGCTGGACGCAGTGTGT[CG>C]CCGCCAGGCCGAGCTGAACCCGCGCGCGCCGCGCCTGCTGCGCCGCCTGGAGGACGCGGC-3'

ClinVar aggregate classification (germline): Uncertain significance (1 of 4 stars; one submission).

Submission:

Labcorp Genetics (formerly Invitae), Labcorp
Classification: Uncertain significance. Last evaluated: 2023-05-05. Review status: criteria provided, single submitter. Criteria: Invitae Variant Classification Sherloc (09022015). Collection method: clinical testing. Allele origin: germline.
Comment: This sequence change creates a premature translational stop signal (p.Arg106Profs*6) in the CTF1 gene. While this is not anticipated to result in nonsense mediated decay, it is expected to disrupt the last 96 amino acid(s) of the CTF1 protein. The frequency data for this variant in the population databases is considered unreliable, as metrics indicate insufficient coverage at this position in the gnomAD database. In summary, the available evidence is currently insufficient to determine the role of this variant in disease. Therefore, it has been classified as a Variant of Uncertain Significance. This variant has not been reported in the literature in individuals affected with CTF1-related conditions.